The following is an entry in ClinVar:

ClinVar aggregate classification (germline): Uncertain significance (1 of 4 stars; one submission).

Conditions:
Cardiovascular phenotype. Identifiers: MedGen CN230736.

Submission:

Ambry Genetics
Classification: Uncertain significance for Cardiovascular phenotype. Last evaluated: 2019-06-11. Review status: criteria provided, single submitter. Criteria: Ambry Variant Classification Scheme 2023. Collection method: clinical testing. Allele origin: germline.
Comment: The c.34049_34050delCAinsAG variant (also known as p.T11350K), located in coding exon 131 of the TTN gene, results from an in-frame deletion of CA and insertion of AG at nucleotide positions 34049 to 34050. This results in the substitution of the threonine residue for a lysine residue at codon 11350, an amino acid with similar properties. This amino acid position is not well conserved in available vertebrate species, and lysine is the reference amino acid in other vertebrate species. Since supporting evidence is limited at this time, the clinical significance of this alteration remains unclear.

NM_001267550.2(TTN):c.61244_61245delinsAG (p.Thr20415Lys)

Genes: TTN (titin; minus strand), TTN-AS1 (TTN antisense RNA 1; plus strand). Cytogenetic location: 2q31.2.
Variant type: Indel.
Coding change: c.61244_61245delinsAG on transcript NM_001267550.2 (MANE Select); coding-DNA positions 61244 to 61245, CA replaced by AG.
Protein change: p.Thr20415Lys; replaces threonine 20415 with lysine.
Molecular consequence: missense variant.
Genome position (GRCh38, 1-based): chr2:178,590,480-178,590,481, TG replaced by CT on the plus strand (CA replaced by AG on the coding strand, the reverse complement: TTN is on the minus strand). VCF-style: chr2-178590480-TG-CT. GRCh37 (hg19) VCF-style: chr2-179455207-TG-CT.
Other names: c.56321_56322delinsAG, p.Thr18774Lys (NM_001256850.1); c.34049_34050delinsAG, p.Thr11350Lys (NM_003319.4); c.53540_53541delinsAG, p.Thr17847Lys (NM_133378.4); c.34424_34425delinsAG, p.Thr11475Lys (NM_133432.3); c.34625_34626delinsAG, p.Thr11542Lys (NM_133437.4); c.34049_34050delCAinsAG (NM_003319.4); short protein forms T11542K, T17847K, T11475K, T20415K, T11350K, T18774K.
Identifiers: ClinVar variation 1731103 (VCV001731103.2), dbSNP rs2469437789, ClinGen allele CA2580064851.
Genomic context (GRCh38, chr2:178,590,480, plus strand): 5'-AGGTACCCTAAAGGCACATTGCCTAATGAGTTCATCTTTATTAATCCTGTTCCATTGTGC[TG>CT]TGCCAGGTTTCTGACATTCCACTACATATCCTAGAATGGGGCTACCACCATCACTGAGAG-3'
Protein context (NP_001254479.2, residues 20405-20425): GYVVECQKPG[Thr20415Lys]AQWNRINKDE